The following is an entry in ClinVar:

NM_000051.4(ATM):c.3347A>C (p.Gln1116Pro)

Gene: ATM (ATM serine/threonine kinase; plus strand). Cytogenetic location: 11q22.3.
Variant type: single nucleotide variant.
Coding change: c.3347A>C on transcript NM_000051.4 (MANE Select); coding-DNA position 3347, A replaced by C.
Protein change: p.Gln1116Pro; replaces glutamine 1116 with proline.
Molecular consequence: missense variant.
Genome position (GRCh38, 1-based): chr11:108,279,553, A>C. VCF-style: chr11-108279553-A-C. GRCh37 (hg19) VCF-style: chr11-108150280-A-C.
Other names: c.3347A>C, p.Gln1116Pro (NM_001351834.2); short protein forms Q1116P.
Identifiers: ClinVar variation 453463 (VCV000453463.8), dbSNP rs1555090213, ClinGen allele CA382517632.

ClinVar aggregate classification (germline): Uncertain significance (1 of 4 stars; one submission).

Conditions:
Ataxia-telangiectasia syndrome (AT). Also called: Cerebello-oculocutaneous telangiectasia; Immunodeficiency with ataxia telangiectasia; Ataxia-telangiectasia, complementation group D; AT, COMPLEMENTATION GROUP C; Ataxia-telangiectasia, complementation group E; LOUIS-BAR SYNDROME. Identifiers: Orphanet 100, MedGen C0004135, MONDO:0008840, OMIM 208900.

Submission:

Labcorp Genetics (formerly Invitae), Labcorp
Classification: Uncertain significance for Ataxia-telangiectasia syndrome. Last evaluated: 2024-04-30. Review status: criteria provided, single submitter. Criteria: Invitae Variant Classification Sherloc (09022015). Collection method: clinical testing. Allele origin: germline.
Comment: This sequence change replaces glutamine, which is neutral and polar, with proline, which is neutral and non-polar, at codon 1116 of the ATM protein (p.Gln1116Pro). This variant is not present in population databases (gnomAD no frequency). This variant has not been reported in the literature in individuals affected with ATM-related conditions. ClinVar contains an entry for this variant (Variation ID: 453463). An algorithm developed to predict the effect of missense changes on protein structure and function (PolyPhen-2) suggests that this variant is likely to be disruptive. In summary, the available evidence is currently insufficient to determine the role of this variant in disease. Therefore, it has been classified as a Variant of Uncertain Significance.